The following is an entry in ClinVar:

ClinVar aggregate classification (germline): Uncertain significance. Review status: criteria provided, multiple submitters, no conflicts (2 of 4 stars). 5 submissions from 5 submitters: Uncertain significance (5). Last evaluated 2026-08-31.

Conditions:
Inborn genetic diseases. Identifiers: MedGen C0950123, MeSH D030342.
TFAP2A-related disorder. Also called: TFAP2A-related condition.

Allele frequency attached by ClinVar (database versions not stated): ExAC 0.00003; gnomAD exomes 0.00004; TOPMed 0.00005; gnomAD 0.00011 and 0.00012.
gnomAD v4.1: 61 of 1,614,098 alleles (0.0038%); highest among the groups gnomAD compares: Non-Finnish European, 0.0047%; no homozygotes.

Submissions (5):

PreventionGenetics, part of Exact Sciences
Classification: Uncertain significance for TFAP2A-related condition. Last evaluated: 2026-08-31. Review status: criteria provided, single submitter. Criteria: ACMG Guidelines, 2015. Collection method: clinical testing. Allele origin: germline.
Comment: The TFAP2A c.608G>A variant is predicted to result in the amino acid substitution p.Gly203Asp. To our knowledge, this variant has not been reported in the literature. This variant is reported in 0.012% of alleles in individuals of European (Non-Finnish) descent in gnomAD. At this time, the clinical significance of this variant is uncertain due to the absence of conclusive functional and genetic evidence.

Ambry Genetics
Classification: Uncertain significance for Inborn genetic diseases. Last evaluated: 2025-01-07. Review status: criteria provided, single submitter. Criteria: Ambry Variant Classification Scheme 2023. Collection method: clinical testing. Allele origin: germline.

Labcorp Genetics (formerly Invitae), Labcorp
Classification: Uncertain significance. Last evaluated: 2024-03-01. Review status: criteria provided, single submitter. Criteria: Invitae Variant Classification Sherloc (09022015). Collection method: clinical testing. Allele origin: germline.
Comment: This sequence change replaces glycine, which is neutral and non-polar, with aspartic acid, which is acidic and polar, at codon 203 of the TFAP2A protein (p.Gly203Asp). This variant is present in population databases (rs763437712, gnomAD 0.009%). This variant has not been reported in the literature in individuals affected with TFAP2A-related conditions. ClinVar contains an entry for this variant (Variation ID: 1338941). An algorithm developed to predict the effect of missense changes on protein structure and function (PolyPhen-2) suggests that this variant is likely to be tolerated. In summary, the available evidence is currently insufficient to determine the role of this variant in disease. Therefore, it has been classified as a Variant of Uncertain Significance.

GeneDx
Classification: Uncertain significance. Last evaluated: 2024-02-12. Review status: criteria provided, single submitter. Criteria: GeneDx Variant Classification Process June 2021. Collection method: clinical testing. Allele origin: germline. Affected: yes.
Comment: In silico analysis supports that this missense variant has a deleterious effect on protein structure/function; Has not been previously published as pathogenic or benign to our knowledge

CeGaT Center for Human Genetics Tuebingen
Classification: Uncertain significance. Last evaluated: 2023-10-01. Review status: criteria provided, single submitter. Criteria: CeGaT Center For Human Genetics Tuebingen Variant Classification Criteria Version 2. Collection method: clinical testing. Allele origin: germline. Affected: yes. Observed: 1 variant allele.
Comment: TFAP2A: PP3

NM_001372066.1(TFAP2A):c.614G>A (p.Gly205Asp)

Genes: TFAP2A (transcription factor AP-2 alpha; minus strand), TFAP2A-AS2 (TFAP2A antisense RNA 2; plus strand), LOC121740638 (BRD4-independent group 4 enhancer GRCh37_chr6:10403277-10404476; plus strand). Cytogenetic location: 6p24.3.
Variant type: single nucleotide variant.
Coding change: c.614G>A on transcript NM_001372066.1 (MANE Select); coding-DNA position 614, G replaced by A.
Protein change: p.Gly205Asp; replaces glycine 205 with aspartic acid.
Molecular consequence: missense variant. On other transcripts: non-coding transcript variant (1).
Genome position (GRCh38, 1-based): chr6:10,404,664, C>T on the plus strand (G>A on the coding strand, the complement: TFAP2A is on the minus strand). VCF-style: chr6-10404664-C-T. GRCh37 (hg19) VCF-style: chr6-10404897-C-T.
Other names: NM_003220.2:c.608G>A; c.590G>A, p.Gly197Asp (NM_001032280.3); c.596G>A, p.Gly199Asp (NM_001042425.3); short protein forms G197D, G199D, G205D.
Identifiers: ClinVar variation 1338941 (VCV001338941.30), dbSNP rs763437712, ClinGen allele CA3631278.